The following is an entry in ClinVar:

ClinVar aggregate classification (germline): Uncertain significance (1 of 4 stars; one submission).

Conditions:
Bronchiectasis and nasal polyposis. Identifiers: MedGen C5975469, MONDO:0975835, OMIM 620984.

gnomAD v4.1: 1 of 1,614,254 alleles (0.000062%); highest among the groups gnomAD compares: Non-Finnish European, 0.000085%; no homozygotes.

Submission:

3billion
Classification: Uncertain significance for Bronchiectasis and nasal polyposis. Last evaluated: 2025-12-29. Review status: criteria provided, single submitter. Criteria: ACMG Guidelines, 2015. Collection method: clinical testing. Allele origin: germline. Affected: yes.
Comment: The variant is observed at an extremely low frequency in the gnomAD v4.1.0 dataset (total allele frequency: <0.001%). Predicted Consequence/Location: Missense variant In silico tool predictions suggest damaging effect of the variant on gene or gene product [REVEL: 0.66 (>=0.6, sensitivity 0.68 and specificity 0.92)]. Therefore, this variant is classified as VUS according to the recommendation of ACMG/AMP guideline.

NM_006103.4(WFDC2):c.341G>A (p.Cys114Tyr)

Gene: WFDC2 (WAP four-disulfide core domain 2; plus strand). Cytogenetic location: 20q13.12.
Variant type: single nucleotide variant.
Coding change: c.341G>A on transcript NM_006103.4 (MANE Select); coding-DNA position 341, G replaced by A.
Protein change: p.Cys114Tyr; replaces cysteine 114 with tyrosine.
Molecular consequence: missense variant.
Genome position (GRCh38, 1-based): chr20:45,480,059, G>A. VCF-style: chr20-45480059-G-A. GRCh37 (hg19) VCF-style: chr20-44108699-G-A.
Other names: short protein forms C114Y.
Identifiers: ClinVar variation 4855736 (VCV004855736.1).